The following is an entry in ClinVar:

ClinVar aggregate classification (germline): Pathogenic (1 of 4 stars; one submission).

Submission:

Labcorp Genetics (formerly Invitae), Labcorp
Classification: Pathogenic. Last evaluated: 2019-06-17. Review status: criteria provided, single submitter. Criteria: Invitae Variant Classification Sherloc (09022015). Collection method: clinical testing. Allele origin: germline.
Comment: This variant is a gross deletion of the genomic region encompassing exon 1 of the LAMC2 gene, which includes the initiator codon. The 5' end of this event is unknown as it extends beyond the assayed region for this gene and therefore may encompass additional genes. The 3' boundary is likely confined to intron 1 of the LAMC2 gene. This is expected to result in an absent or disrupted protein product. This variant has not been reported in the literature in individuals with LAMC2-related conditions. Loss-of-function variants in LAMC2 are known to be pathogenic (PMID: 11907499, 16473856). For these reasons, this variant has been classified as Pathogenic.

Literature cited by the submitters: PubMed 11907499; PubMed 16473856.

NC_000001.11:g.(?_183186343)_(183186441_?)del

Gene: LAMC2 (laminin subunit gamma 2; plus strand). Cytogenetic location: 1q25.3.
Variant type: Deletion.
Identifiers: ClinVar variation 831650 (VCV000831650.5).